The following is an entry in ClinVar:

NM_004484.4(GPC3):c.1409A>G (p.Asn470Ser)

Gene: GPC3 (glypican 3; minus strand). Cytogenetic location: Xq26.2.
Variant type: single nucleotide variant.
Coding change: c.1409A>G on transcript NM_004484.4 (MANE Select); coding-DNA position 1409, A replaced by G.
Protein change: p.Asn470Ser; replaces asparagine 470 with serine.
Molecular consequence: missense variant.
Genome position (GRCh38, 1-based): chrX:133,661,734, T>C on the plus strand (A>G on the coding strand, the complement: GPC3 is on the minus strand). VCF-style: chrX-133661734-T-C. GRCh37 (hg19) VCF-style: chrX-132795762-T-C.
Other names: c.1478A>G, p.Asn493Ser (NM_001164617.2); c.1361A>G, p.Asn454Ser (NM_001164618.2); c.1247A>G, p.Asn416Ser (NM_001164619.2); short protein forms N470S, N416S, N493S, N454S.
Identifiers: ClinVar variation 543091 (VCV000543091.9), dbSNP rs1556233454, ClinGen allele CA414704275.
Genomic context (GRCh38, chrX:133,661,734, plus strand): 5'-CCTCTCTCTCGGTTATTTCTACTTTTTATTATTATTATTTTTTATATTCCACATACCTGG[T>C]TAATGTGCTTCAGTTTGTCAATAATTTGACTGACCACTGGCTCAGGGCCCTTCATTTTCA-3'
Protein context (NP_004475.1, residues 460-480): SQIIDKLKHI[Asn470Ser]QLLRTMSMPK

ClinVar aggregate classification (germline): Uncertain significance (1 of 4 stars; one submission).

Conditions:
Wilms tumor 1 (WT1). Also called: Wilms tumor, somatic. Identifiers: Orphanet 654, MedGen CN033288, MONDO:0008679, OMIM 194070.

Submission:

Labcorp Genetics (formerly Invitae), Labcorp
Classification: Uncertain significance for Wilms tumor 1. Last evaluated: 2017-08-21. Review status: criteria provided, single submitter. Criteria: Invitae Variant Classification Sherloc (09022015). Collection method: clinical testing. Allele origin: germline.
Comment: In summary, the available evidence is currently insufficient to determine the role of this variant in disease. Therefore, it has been classified as a Variant of Uncertain Significance. Algorithms developed to predict the effect of missense changes on protein structure and function do not agree on the potential impact of this missense change (SIFT: "Tolerated"; PolyPhen-2: "Possibly Damaging"; Align-GVGD: "Class C0"). This variant has not been reported in the literature in individuals with GPC3-related disease. This variant is not present in population databases (ExAC no frequency). This sequence change replaces asparagine with serine at codon 470 of the GPC3 protein (p.Asn470Ser). The asparagine residue is moderately conserved and there is a small physicochemical difference between asparagine and serine.